The following is an entry in ClinVar:

NM_032485.6(MCM8):c.2380A>G (p.Ile794Val)

Genes: MCM8 (minichromosome maintenance 8 homologous recombination repair factor; plus strand), MCM8-AS1 (MCM8 antisense RNA 1; minus strand). Cytogenetic location: 20p12.3.
Variant type: single nucleotide variant.
Coding change: c.2380A>G on transcript NM_032485.6 (MANE Select); coding-DNA position 2380, A replaced by G.
Protein change: p.Ile794Val; replaces isoleucine 794 with valine.
Molecular consequence: missense variant.
Genome position (GRCh38, 1-based): chr20:5,993,645, A>G. VCF-style: chr20-5993645-A-G. GRCh37 (hg19) VCF-style: chr20-5974291-A-G.
Other names: c.2380A>G, p.Ile794Val (NM_001281520.2); c.2500A>G, p.Ile834Val (NM_001281521.2); c.2239A>G, p.Ile747Val (NM_001281522.2); c.2332A>G, p.Ile778Val (NM_182802.3); short protein forms I747V, I778V, I794V, I834V.
Identifiers: ClinVar variation 5040830 (VCV005040830.1).

ClinVar aggregate classification (germline): Likely benign (1 of 4 stars; one submission).

gnomAD v4.1: 1,027 of 1,610,642 alleles (0.064%); highest among the groups gnomAD compares: Middle Eastern, 1.5%; 4 homozygotes.

Submission:

CeGaT Center for Human Genetics Tuebingen
Classification: Likely benign. Last evaluated: 2026-09-01. Review status: criteria provided, single submitter. Criteria: CeGaT Center For Human Genetics Tuebingen Variant Classification Criteria Version 2. Collection method: clinical testing. Allele origin: germline. Affected: yes. Observed: 1 variant allele.
Comment: MCM8: BP4